The following is an entry in ClinVar:

NM_000170.3(GLDC):c.2885G>C (p.Arg962Pro)

Gene: GLDC (glycine decarboxylase; minus strand). Cytogenetic location: 9p24.1.
Variant type: single nucleotide variant.
Coding change: c.2885G>C on transcript NM_000170.3 (MANE Select); coding-DNA position 2885, G replaced by C.
Protein change: p.Arg962Pro; replaces arginine 962 with proline.
Molecular consequence: missense variant.
Genome position (GRCh38, 1-based): chr9:6,534,742, C>G on the plus strand (G>C on the coding strand, the complement: GLDC is on the minus strand). VCF-style: chr9-6534742-C-G. GRCh37 (hg19) VCF-style: chr9-6534742-C-G.
Other names: short protein forms R962P.
Identifiers: ClinVar variation 2136732 (VCV002136732.5), dbSNP rs1452327155, ClinGen allele CA372882085.

ClinVar aggregate classification (germline): Pathogenic/Likely pathogenic. Review status: criteria provided, multiple submitters, no conflicts (2 of 4 stars). 2 submissions from 2 submitters: Pathogenic (1); Likely pathogenic (1). Last evaluated 2026-07-15.

Conditions:
Glycine encephalopathy 1 (GCE1). Identifiers: MedGen CN376801, MONDO:0958179, OMIM 605899.
Glycine encephalopathy. Also called: Nonketotic hyperglycinemia; Non-ketotic hyperglycinemia. Identifiers: Orphanet 407, MedGen C0751748, MONDO:0011612, HP:0008288.

gnomAD v4.1: 47 of 1,607,418 alleles (0.0029%); highest among the groups gnomAD compares: Non-Finnish European, 0.004%; no homozygotes.

Submissions (2):

Myriad Genetics, Inc.
Classification: Likely pathogenic for Glycine encephalopathy 1. Last evaluated: 2026-07-15. Review status: criteria provided, single submitter. Criteria: Myriad Autosomal Dominant, Autosomal Recessive and X-Linked Classification Criteria (2023). Collection method: clinical testing. Allele origin: unknown.
Comment: NM_000170.2(GLDC):c.2885G>C(R962P) is a missense variant classified as likely pathogenic in the context of glycine encephalopathy, GLDC-related. R962P has been observed in cases with relevant disease (PMID: 27362913, 28468868). Relevant functional assessments of this variant are not available in the literature. R962P has not been observed in referenced population frequency databases. In summary, NM_000170.2(GLDC):c.2885G>C(R962P) is a missense variant that has been observed more frequently in cases with the relevant disease than in healthy populations. Please note: this variant was assessed in the context of healthy population screening.

Labcorp Genetics (formerly Invitae), Labcorp
Classification: Pathogenic for Glycine encephalopathy. Last evaluated: 2022-07-13. Review status: criteria provided, single submitter. Criteria: Invitae Variant Classification Sherloc (09022015). Collection method: clinical testing. Allele origin: germline.
Comment: This sequence change replaces arginine, which is basic and polar, with proline, which is neutral and non-polar, at codon 962 of the GLDC protein (p.Arg962Pro). This variant is not present in population databases (gnomAD no frequency). This missense change has been observed in individual(s) with non-ketotic hyperglycinemia (PMID: 27362913). In at least one individual the data is consistent with being in trans (on the opposite chromosome) from a pathogenic variant. Advanced modeling of protein sequence and biophysical properties (such as structural, functional, and spatial information, amino acid conservation, physicochemical variation, residue mobility, and thermodynamic stability) performed at Invitae indicates that this missense variant is expected to disrupt GLDC protein function. This variant disrupts the p.Arg962 amino acid residue in GLDC. Other variant(s) that disrupt this residue have been determined to be pathogenic (PMID: 27362913). This suggests that this residue is clinically significant, and that variants that disrupt this residue are likely to be disease-causing. For these reasons, this variant has been classified as Pathogenic.

Literature cited by the submitters: PubMed 27362913 (cited by Myriad Genetics, Inc. and Labcorp Genetics (formerly Invitae), Labcorp); PubMed 28468868 (cited by Myriad Genetics, Inc.).